The following is an entry in ClinVar:

ClinVar aggregate classification (germline): Uncertain significance (1 of 4 stars; one submission).

Allele frequency attached by ClinVar (database versions not stated): gnomAD 0.00001.
gnomAD v4.1: 1 of 1,612,864 alleles (0.000062%); highest among the groups gnomAD compares: Admixed American, 0.0017%; no homozygotes.

Submission:

Labcorp Genetics (formerly Invitae), Labcorp
Classification: Uncertain significance. Last evaluated: 2022-10-25. Review status: criteria provided, single submitter. Criteria: Invitae Variant Classification Sherloc (09022015). Collection method: clinical testing. Allele origin: germline.
Comment: Algorithms developed to predict the effect of missense changes on protein structure and function (SIFT, PolyPhen-2, Align-GVGD) all suggest that this variant is likely to be tolerated. In summary, the available evidence is currently insufficient to determine the role of this variant in disease. Therefore, it has been classified as a Variant of Uncertain Significance. This variant has not been reported in the literature in individuals affected with RNF43-related conditions. This variant is present in population databases (no rsID available, gnomAD 0.1%). This sequence change replaces proline, which is neutral and non-polar, with threonine, which is neutral and polar, at codon 260 of the RNF43 protein (p.Pro260Thr).

NM_017763.6(RNF43):c.778C>A (p.Pro260Thr)

Gene: RNF43 (ring finger protein 43; minus strand). Cytogenetic location: 17q22.
Variant type: single nucleotide variant.
Coding change: c.778C>A on transcript NM_017763.6 (MANE Select); coding-DNA position 778, C replaced by A.
Protein change: p.Pro260Thr; replaces proline 260 with threonine.
Molecular consequence: missense variant.
Genome position (GRCh38, 1-based): chr17:58,360,854, G>T on the plus strand (C>A on the coding strand, the complement: RNF43 is on the minus strand). VCF-style: chr17-58360854-G-T. GRCh37 (hg19) VCF-style: chr17-56438215-G-T.
Other names: c.778C>A, p.Pro260Thr (NM_001305544.3); c.397C>A, p.Pro133Thr (NM_001305545.2); short protein forms P133T, P260T.
Identifiers: ClinVar variation 1976691 (VCV001976691.5), dbSNP rs1244400561, ClinGen allele CA400333866.
Genomic context (GRCh38, chr17:58,360,854, plus strand): 5'-AGAACTCCTCCAGACAGATGGCACACACAGGGGCTGAGCTGCAGCTGCTCCCTGAGTCTG[G>T]CCACTCACCCCGGGCCTGCCTGCAGCTGGCCTGGTACCTCCTGGTGGCCAGCTGGCTGAT-3'
Protein context (NP_060233.3, residues 250-270): ASCRQARGEW[Pro260Thr]DSGSSCSSAP